The following is an entry in ClinVar:

NM_001127208.3(TET2):c.1889A>G (p.Lys630Arg)

Genes: TET2 (tet methylcytosine dioxygenase 2; plus strand), TET2-AS1 (TET2 antisense RNA 1; minus strand). Cytogenetic location: 4q24.
Variant type: single nucleotide variant.
Coding change: c.1889A>G on transcript NM_001127208.3 (MANE Select); coding-DNA position 1889, A replaced by G.
Protein change: p.Lys630Arg; replaces lysine 630 with arginine.
Molecular consequence: missense variant.
Genome position (GRCh38, 1-based): chr4:105,235,831, A>G. VCF-style: chr4-105235831-A-G. GRCh37 (hg19) VCF-style: chr4-106156988-A-G.
Other names: c.1889A>G, p.Lys630Arg (NM_017628.4); short protein forms K630R.
Identifiers: ClinVar variation 3679911 (VCV003679911.4).

ClinVar aggregate classification (germline): Conflicting classifications of pathogenicity. Review status: criteria provided, conflicting classifications (1 of 4 stars). 2 submissions from 2 submitters: Uncertain significance (1); Likely benign (1). Last evaluated 2025-08-27.

gnomAD v4.1: 27 of 1,614,080 alleles (0.0017%); highest among the groups gnomAD compares: Non-Finnish European, 0.0021%; no homozygotes.

Submissions (2):

Ambry Genetics
Classification: Likely benign. Last evaluated: 2025-08-27. Review status: criteria provided, single submitter. Criteria: Ambry Variant Classification Scheme 2023. Collection method: clinical testing. Allele origin: germline.

Labcorp Genetics (formerly Invitae), Labcorp
Classification: Uncertain significance. Last evaluated: 2025-01-21. Review status: criteria provided, single submitter. Criteria: Invitae Variant Classification Sherloc (09022015). Collection method: clinical testing. Allele origin: germline.
Comment: This sequence change replaces lysine, which is basic and polar, with arginine, which is basic and polar, at codon 630 of the TET2 protein (p.Lys630Arg). This variant is not present in population databases (gnomAD no frequency). This variant has not been reported in the literature in individuals affected with TET2-related conditions. An algorithm developed to predict the effect of missense changes on protein structure and function outputs the following: PolyPhen-2: "Benign". The arginine amino acid residue is found in multiple mammalian species, which suggests that this missense change does not adversely affect protein function. In summary, the available evidence is currently insufficient to determine the role of this variant in disease. Therefore, it has been classified as a Variant of Uncertain Significance.